The following is an entry in ClinVar:

ClinVar aggregate classification (germline): Uncertain significance (1 of 4 stars; one submission).

Allele frequency attached by ClinVar (database versions not stated): ExAC 0.00001; gnomAD 0.00001; gnomAD exomes 0.00001.
gnomAD v4.1: 9 of 1,613,096 alleles (0.00056%); highest among the groups gnomAD compares: East Asian, 0.016%; no homozygotes.

Submission:

Labcorp Genetics (formerly Invitae), Labcorp
Classification: Uncertain significance. Last evaluated: 2022-08-20. Review status: criteria provided, single submitter. Criteria: Invitae Variant Classification Sherloc (09022015). Collection method: clinical testing. Allele origin: germline.
Comment: This sequence change replaces lysine, which is basic and polar, with glutamic acid, which is acidic and polar, at codon 115 of the C5 protein (p.Lys115Glu). In summary, the available evidence is currently insufficient to determine the role of this variant in disease. Therefore, it has been classified as a Variant of Uncertain Significance. Algorithms developed to predict the effect of missense changes on protein structure and function output the following: SIFT: "Tolerated"; PolyPhen-2: "Benign"; Align-GVGD: "Class C0". The glutamic acid amino acid residue is found in multiple mammalian species, which suggests that this missense change does not adversely affect protein function. This variant has not been reported in the literature in individuals affected with C5-related conditions. This variant is present in population databases (rs750310964, gnomAD 0.02%).

NM_001735.3(C5):c.343A>G (p.Lys115Glu)

Gene: C5 (complement C5; minus strand). Cytogenetic location: 9q33.2.
Variant type: single nucleotide variant.
Coding change: c.343A>G on transcript NM_001735.3 (MANE Select); coding-DNA position 343, A replaced by G.
Protein change: p.Lys115Glu; replaces lysine 115 with glutamic acid.
Molecular consequence: missense variant.
Genome position (GRCh38, 1-based): chr9:121,043,082, T>C on the plus strand (A>G on the coding strand, the complement: C5 is on the minus strand). VCF-style: chr9-121043082-T-C. GRCh37 (hg19) VCF-style: chr9-123805360-T-C.
Other names: c.361A>G, p.Lys121Glu (NM_001317163.2); c.343A>G, p.Lys115Glu (NM_001317164.2); short protein forms K115E, K121E.
Identifiers: ClinVar variation 1921538 (VCV001921538.5), dbSNP rs750310964, ClinGen allele CA5218423.